The following is an entry in ClinVar:

ClinVar aggregate classification (germline): Uncertain significance (1 of 4 stars; one submission).

Allele frequency attached by ClinVar (database versions not stated): ExAC 0.00001; gnomAD 0.00001 and 0.00002; gnomAD exomes 0.00001; TOPMed 0.00003.
gnomAD v4.1: 36 of 1,612,580 alleles (0.0022%); highest among the groups gnomAD compares: Non-Finnish European, 0.0028%; 1 homozygote.

Submission:

Labcorp Genetics (formerly Invitae), Labcorp
Classification: Uncertain significance. Last evaluated: 2022-08-10. Review status: criteria provided, single submitter. Criteria: Invitae Variant Classification Sherloc (09022015). Collection method: clinical testing. Allele origin: germline.
Comment: This sequence change replaces arginine, which is basic and polar, with histidine, which is basic and polar, at codon 298 of the SKIV2L protein (p.Arg298His). This variant is present in population databases (rs776649987, gnomAD 0.002%). This variant has not been reported in the literature in individuals affected with SKIV2L-related conditions. ClinVar contains an entry for this variant (Variation ID: 1484740). Algorithms developed to predict the effect of missense changes on protein structure and function are either unavailable or do not agree on the potential impact of this missense change (SIFT: "Deleterious"; PolyPhen-2: "Benign"; Align-GVGD: "Class C0"). In summary, the available evidence is currently insufficient to determine the role of this variant in disease. Therefore, it has been classified as a Variant of Uncertain Significance.

NM_006929.5(SKIC2):c.893G>A (p.Arg298His)

Gene: SKIC2 (SKI2 subunit of superkiller complex; plus strand). Cytogenetic location: 6p21.33.
Variant type: single nucleotide variant.
Coding change: c.893G>A on transcript NM_006929.5 (MANE Select); coding-DNA position 893, G replaced by A.
Protein change: p.Arg298His; replaces arginine 298 with histidine.
Molecular consequence: missense variant.
Genome position (GRCh38, 1-based): chr6:31,961,650, G>A. VCF-style: chr6-31961650-G-A. GRCh37 (hg19) VCF-style: chr6-31929427-G-A.
Other names: short protein forms R298H.
Identifiers: ClinVar variation 1484740 (VCV001484740.5), dbSNP rs776649987, ClinGen allele CA3729278.